The following is an entry in ClinVar:

ClinVar aggregate classification (germline): Likely pathogenic (1 of 4 stars; one submission).
ClinVar aggregate classification (somatic clinical impact): Tier II - Potential (1 of 4 stars; one submission).

Conditions:
Medulloblastoma WNT activated. Identifiers: MedGen C4331965, MONDO:0850196.

Submissions (2):

GeneDx
Classification: Likely pathogenic. Last evaluated: 2026-03-16. Review status: criteria provided, single submitter. Criteria: GeneDx Variant Classification Process June 2021. Collection method: clinical testing. Allele origin: germline.
Comment: Nonsense variant predicted to result in protein truncation, as the last 50 amino acids are lost, and other loss-of-function variants have been reported downstream; Not observed at significant frequency in large population cohorts (gnomAD); Previously reported in an individual with Wilms tumor (PMID: 30885698); This variant is associated with the following publications: (PMID: 30885698)

Institute for Genomic Medicine (IGM) Clinical Laboratory, Nationwide Children's Hospital
Classification: Tier II - Potential for Medulloblastoma WNT activated. Assertion type: diagnostic. Clinical significance: supports diagnosis. Last evaluated: 2022-11-28. Review status: criteria provided, single submitter. Criteria: AMP/ASCO/CAP Guidelines, 2017. Collection method: clinical testing. Allele origin: somatic. Affected: yes.
Comment: Variant has Tier II (potential) clinical significance as a diagnostic inclusion criterion in medulloblastoma WNT activated, based on the following evidence: 1) Documented in one or more cancer databases (e.g., St. Jude Pecan, COSMIC, CIViC, OncoKB). 2) Diagnostic significance based on multiple small studies (Evidence Level C; PMIDs: 28726821, 33502920).

Literature cited by the submitters: PubMed 28726821 (cited by Institute for Genomic Medicine (IGM) Clinical Laboratory, Nationwide Children's Hospital); PubMed 33502920 (cited by Institute for Genomic Medicine (IGM) Clinical Laboratory, Nationwide Children's Hospital).

NM_001349798.2(FBXW7):c.1972C>T (p.Arg658Ter)

Gene: FBXW7 (F-box and WD repeat domain containing 7; minus strand). Cytogenetic location: 4q31.3.
Variant type: single nucleotide variant.
Coding change: c.1972C>T on transcript NM_001349798.2 (MANE Select); coding-DNA position 1972, C replaced by T.
Protein change: p.Arg658Ter; replaces arginine 658 with a stop codon.
Molecular consequence: nonsense.
Genome position (GRCh38, 1-based): chr4:152,323,033, G>A on the plus strand (C>T on the coding strand, the complement: FBXW7 is on the minus strand). VCF-style: chr4-152323033-G-A. GRCh37 (hg19) VCF-style: chr4-153244185-G-A.
Other names: c.1618C>T, p.Arg540Ter (NM_001013415.2); c.1732C>T, p.Arg578Ter (NM_018315.5); c.1972C>T, p.Arg658Ter (NM_033632.3); short protein forms R540*, R578*, R658*.
Identifiers: ClinVar variation 4530531 (VCV004530531.2).